The following is an entry in ClinVar:

ClinVar aggregate classification (germline): Uncertain significance (1 of 4 stars; one submission).

Conditions:
Benign neonatal seizures. Also called: Benign neonatal familial convulsions; Convulsions benign familial neonatal dominant form; Autosomal dominant form of benign neonatal seizures; Benign familial neonatal epilepsy; Benign familial neonatal seizures. Identifiers: Orphanet 1949, MedGen C0220669, MONDO:0016027.

Allele frequency attached by ClinVar (database versions not stated): gnomAD exomes below 0.00001 and 0.00001; TOPMed below 0.00001; ExAC 0.00001.
gnomAD v4.1: 3 of 1,614,212 alleles (0.00019%); highest among the groups gnomAD compares: East Asian, 0.0045%; no homozygotes.

Submission:

Labcorp Genetics (formerly Invitae), Labcorp
Classification: Uncertain significance for Benign neonatal seizures. Last evaluated: 2022-08-21. Review status: criteria provided, single submitter. Criteria: Invitae Variant Classification Sherloc (09022015). Collection method: clinical testing. Allele origin: germline.
Comment: This sequence change replaces arginine, which is basic and polar, with lysine, which is basic and polar, at codon 779 of the KCNQ3 protein (p.Arg779Lys). This variant is present in population databases (rs746006725, gnomAD 0.0009%). This variant has not been reported in the literature in individuals affected with KCNQ3-related conditions. ClinVar contains an entry for this variant (Variation ID: 1017095). Advanced modeling of protein sequence and biophysical properties (such as structural, functional, and spatial information, amino acid conservation, physicochemical variation, residue mobility, and thermodynamic stability) performed at Invitae indicates that this missense variant is not expected to disrupt KCNQ3 protein function. In summary, the available evidence is currently insufficient to determine the role of this variant in disease. Therefore, it has been classified as a Variant of Uncertain Significance.

NM_004519.4(KCNQ3):c.2336G>A (p.Arg779Lys)

Gene: KCNQ3 (potassium voltage-gated channel subfamily Q member 3; minus strand). Cytogenetic location: 8q24.22.
Variant type: single nucleotide variant.
Coding change: c.2336G>A on transcript NM_004519.4 (MANE Select); coding-DNA position 2336, G replaced by A.
Protein change: p.Arg779Lys; replaces arginine 779 with lysine.
Molecular consequence: missense variant.
Genome position (GRCh38, 1-based): chr8:132,129,545, C>T on the plus strand (G>A on the coding strand, the complement: KCNQ3 is on the minus strand). VCF-style: chr8-132129545-C-T. GRCh37 (hg19) VCF-style: chr8-133141792-C-T.
Other names: c.1976G>A, p.Arg659Lys (NM_001204824.2); short protein forms R659K, R779K.
Identifiers: ClinVar variation 1017095 (VCV001017095.8), dbSNP rs746006725, ClinGen allele CA4880460.